The following is an entry in ClinVar:

ClinVar aggregate classification (germline): Pathogenic (1 of 4 stars; one submission).

Conditions:
Familial thoracic aortic aneurysm and aortic dissection (TAAD). Also called: Thoracic aortic aneurysms and dissections. Identifiers: Orphanet 91387, MedGen C4707243, MONDO:0019625.

Submission:

Labcorp Genetics (formerly Invitae), Labcorp
Classification: Pathogenic for Familial thoracic aortic aneurysm and aortic dissection. Last evaluated: 2019-11-26. Review status: criteria provided, single submitter. Criteria: Invitae Variant Classification Sherloc (09022015). Collection method: clinical testing. Allele origin: germline.
Comment: For these reasons, this variant has been classified as Pathogenic. This variant disrupts the p.Arg487 amino acid residue in TGFBR1. Other variant(s) that disrupt this residue have been determined to be pathogenic (PMID: 19542084, 25110237, 23884466, 27611364, 24793577, 16791849, 18455604, 22113417, 23884466). This suggests that this residue is clinically significant, and that variants that disrupt this residue are likely to be disease-causing. This variant has been observed in individual(s) with clinical features of TGFBR1-related conditions (Invitae). In at least one individual the variant was observed to be de novo. This variant is not present in population databases (ExAC no frequency). This variant, c.1453_1473del, results in the deletion of 7 amino acid(s) of the TGFBR1 protein (p.Ala485_Thr491del), but otherwise preserves the integrity of the reading frame.

Literature cited by the submitters: PubMed 19542084; PubMed 25110237; PubMed 23884466; PubMed 27611364; PubMed 24793577; PubMed 16791849; PubMed 18455604; PubMed 22113417.

NM_004612.4(TGFBR1):c.1453_1473del (p.Ala485_Thr491del)

Gene: TGFBR1 (transforming growth factor beta receptor 1; plus strand). Cytogenetic location: 9q22.33.
Variant type: Deletion.
Coding change: c.1453_1473del on transcript NM_004612.4 (MANE Select); coding-DNA positions 1453 to 1473, 21 bases deleted (GCATTGCGGATTAAGAAAACA).
Protein change: p.Ala485_Thr491del.
Molecular consequence: inframe deletion.
Genome position (GRCh38, 1-based): chr9:99,149,246-99,149,266, GCATTGCGGATTAAGAAAACA deleted; deleting any 21 consecutive bases within chr9:99,149,243-99,149,266 gives the same sequence; the c. name uses the placement nearest the transcript's 3' end. VCF-style (leftmost placement, unchanged base first): chr9-99149242-TACAGCATTGCGGATTAAGAAA-T. GRCh37 (hg19) VCF-style: chr9-101911524-TACAGCATTGCGGATTAAGAAA-T.
Other names: c.1222_1242del, p.Ala408_Thr414del (NM_001130916.3); c.1465_1485del, p.Ala489_Thr495del (NM_001306210.2).
Identifiers: ClinVar variation 859089 (VCV000859089.10), dbSNP rs1827902114, ClinGen allele CA916083057.
Genomic context (GRCh38, chr9:99,149,242, plus strand): 5'-CTTGAGAGTAATGGCTAAAATTATGAGAGAATGTTGGTATGCCAATGGAGCAGCTAGGCT[TACAGCATTGCGGATTAAGAAA>T]ACATTATCGCAACTCAGTCAACAGGAAGGCATCAAAATGTAATTCTACAGCTTTGCCTGA-3'